The following is an entry in ClinVar:

ClinVar aggregate classification (germline): Uncertain significance. Review status: criteria provided, multiple submitters, no conflicts (2 of 4 stars). 2 submissions from 2 submitters: Uncertain significance (2). Last evaluated 2023-06-25.

Conditions:
Multiple congenital exostosis (EXT). Also called: Multiple exostoses; Hereditary multiple osteochondromas; Hereditary multiple exostoses; Hereditary multiple exostosis; Multiple osteochondromas; MULTIPLE CARTILAGINOUS EXOSTOSES. Identifiers: Orphanet 321, MedGen C0015306, MONDO:0005508, HP:0002762.

Allele frequency attached by ClinVar (database versions not stated): TOPMed below 0.00001.

Submissions (2):

Labcorp Genetics (formerly Invitae), Labcorp
Classification: Uncertain significance for Multiple congenital exostosis. Last evaluated: 2023-06-25. Review status: criteria provided, single submitter. Criteria: Invitae Variant Classification Sherloc (09022015). Collection method: clinical testing. Allele origin: germline.
Comment: In summary, the available evidence is currently insufficient to determine the role of this variant in disease. Therefore, it has been classified as a Variant of Uncertain Significance. Advanced modeling of protein sequence and biophysical properties (such as structural, functional, and spatial information, amino acid conservation, physicochemical variation, residue mobility, and thermodynamic stability) performed at Invitae indicates that this missense variant is expected to disrupt EXT1 protein function. ClinVar contains an entry for this variant (Variation ID: 1702642). This missense change has been observed in individual(s) with multiple osteochondromas (Invitate). This variant is not present in population databases (gnomAD no frequency). This sequence change replaces alanine, which is neutral and non-polar, with threonine, which is neutral and polar, at codon 377 of the EXT1 protein (p.Ala377Thr).

GeneDx
Classification: Uncertain significance. Last evaluated: 2022-08-17. Review status: criteria provided, single submitter. Criteria: GeneDx Variant Classification Process June 2021. Collection method: clinical testing. Allele origin: germline. Affected: yes.
Comment: Not observed at significant frequency in large population cohorts (gnomAD); In silico analysis supports that this missense variant has a deleterious effect on protein structure/function; Has not been previously published as pathogenic or benign to our knowledge

NM_000127.3(EXT1):c.1129G>A (p.Ala377Thr)

Gene: EXT1 (exostosin glycosyltransferase 1; minus strand). Cytogenetic location: 8q24.11.
Variant type: single nucleotide variant.
Coding change: c.1129G>A on transcript NM_000127.3 (MANE Select); coding-DNA position 1129, G replaced by A.
Protein change: p.Ala377Thr; replaces alanine 377 with threonine.
Molecular consequence: missense variant.
Genome position (GRCh38, 1-based): chr8:117,835,479, C>T on the plus strand (G>A on the coding strand, the complement: EXT1 is on the minus strand). VCF-style: chr8-117835479-C-T. GRCh37 (hg19) VCF-style: chr8-118847718-C-T.
Other names: short protein forms A377T.
Identifiers: ClinVar variation 1702642 (VCV001702642.7), dbSNP rs1812173796, ClinGen allele CA371892091.